The following is an entry in ClinVar:

ClinVar aggregate classification (germline): Uncertain significance (1 of 4 stars; one submission).

Conditions:
Fanconi anemia (FA). Also called: Fanconi's anemia. Identifiers: Orphanet 84, MedGen C0015625, MeSH D005199, MONDO:0019391.

gnomAD v4.1: 1 of 1,613,742 alleles (0.000062%); highest among the groups gnomAD compares: Non-Finnish European, 0.000085%; no homozygotes.

Submission:

Labcorp Genetics (formerly Invitae), Labcorp
Classification: Uncertain significance for Fanconi anemia. Last evaluated: 2019-09-21. Review status: criteria provided, single submitter. Criteria: Invitae Variant Classification Sherloc (09022015). Collection method: clinical testing. Allele origin: germline.
Comment: In summary, the available evidence is currently insufficient to determine the role of this variant in disease. Therefore, it has been classified as a Variant of Uncertain Significance. Nucleotide substitutions within the consensus splice site are a relatively common cause of aberrant splicing (PMID: 17576681, 9536098). Algorithms developed to predict the effect of sequence changes on RNA splicing suggest that this variant may disrupt the consensus splice site, but this prediction has not been confirmed by published transcriptional studies. This variant has not been reported in the literature in individuals with FANCG-related conditions. This variant is not present in population databases (ExAC no frequency). This sequence change falls in intron 8 of the FANCG gene. It does not directly change the encoded amino acid sequence of the FANCG protein, but it affects a nucleotide within the consensus splice site of the intron.

Literature cited by the submitters: PubMed 17576681; PubMed 9536098.

NM_004629.2(FANCG):c.1076+4A>G

Gene: FANCG (FA complementation group G; minus strand). Cytogenetic location: 9p13.3.
Variant type: single nucleotide variant.
Coding change: c.1076+4A>G on transcript NM_004629.2 (MANE Select); 4 bases into the intron after coding-DNA position 1076, A replaced by G.
Molecular consequence: intron variant.
Genome position (GRCh38, 1-based): chr9:35,076,428, T>C on the plus strand (A>G on the coding strand, the complement: FANCG is on the minus strand). VCF-style: chr9-35076428-T-C. GRCh37 (hg19) VCF-style: chr9-35076425-T-C.
Identifiers: ClinVar variation 939100 (VCV000939100.7), dbSNP rs1829084813, ClinGen allele CA1139660968.
Genomic context (GRCh38, chr9:35,076,428, plus strand): 5'-GTCACACCCCAGGGGAGGCATCAGAAGTGGGAAGAGAAGCTCAGGTGAGCAAGGGGAACC[T>C]CACCTCCCCGTCTGTAGGCACCTGCTTGCTAGTATGTGCTTGGTCTGGCTCTGAGTGCCA-3'